The following is an entry in ClinVar:

ClinVar aggregate classification (germline): Uncertain significance (1 of 4 stars; one submission).

Allele frequency attached by ClinVar (database versions not stated): gnomAD exomes 0.00001.

Submission:

Labcorp Genetics (formerly Invitae), Labcorp
Classification: Uncertain significance. Last evaluated: 2020-07-10. Review status: criteria provided, single submitter. Criteria: Invitae Variant Classification Sherloc (09022015). Collection method: clinical testing. Allele origin: germline.
Comment: In summary, the available evidence is currently insufficient to determine the role of this variant in disease. Therefore, it has been classified as a Variant of Uncertain Significance. Algorithms developed to predict the effect of sequence changes on RNA splicing suggest that this variant may disrupt the consensus splice site, but this prediction has not been confirmed by published transcriptional studies. This variant has not been reported in the literature in individuals with DVL1-related conditions. This variant is not present in population databases (ExAC no frequency). This sequence change falls in intron 4 of the DVL1 gene. It does not directly change the encoded amino acid sequence of the DVL1 protein.

NM_001330311.2(DVL1):c.467-6C>G

Gene: DVL1 (dishevelled segment polarity protein 1; minus strand). Cytogenetic location: 1p36.33.
Variant type: single nucleotide variant.
Coding change: c.467-6C>G on transcript NM_001330311.2 (MANE Select); 6 bases into the intron before coding-DNA position 467, C replaced by G.
Molecular consequence: intron variant.
Genome position (GRCh38, 1-based): chr1:1,341,811, G>C on the plus strand (C>G on the coding strand, the complement: DVL1 is on the minus strand). VCF-style: chr1-1341811-G-C. GRCh37 (hg19) VCF-style: chr1-1277191-G-C.
Other names: c.467-6C>G (NM_004421.3).
Identifiers: ClinVar variation 1015025 (VCV001015025.8), dbSNP rs1233246402, ClinGen allele CA521008932.